The following is an entry in ClinVar:

ClinVar aggregate classification (germline): Uncertain significance (1 of 4 stars; one submission).

Conditions:
GNAS-related disorder. Identifiers: MedGen CN380105.

gnomAD v4.1: 2 of 1,611,380 alleles (0.00012%); highest among the groups gnomAD compares: Non-Finnish European, 0.00017%; no homozygotes.

Submission:

PreventionGenetics, part of Exact Sciences
Classification: Uncertain significance for GNAS-related condition. Last evaluated: 2026-03-03. Review status: criteria provided, single submitter. Criteria: ACMG Guidelines, 2015. Collection method: clinical testing. Allele origin: germline.
Comment: The GNAS c.70A>G variant is predicted to result in the amino acid substitution p.Ile24Val. To our knowledge, this variant has not been reported in the literature or in a large population database (gnomAD), indicating this variant is rare. At this time, the clinical significance of this variant is uncertain due to the absence of conclusive functional and genetic evidence.

NM_016592.5(GNAS):c.70A>G (p.Ile24Val)

Genes: GNAS (GNAS complex locus; plus strand), GNAS-AS1 (GNAS antisense RNA 1; minus strand). Cytogenetic location: 20q13.32.
Variant type: single nucleotide variant.
Coding change: c.70A>G on transcript NM_016592.5 (MANE Plus Clinical); coding-DNA position 70, A replaced by G.
Protein change: p.Ile24Val; replaces isoleucine 24 with valine.
Molecular consequence: missense variant. On other transcripts: 5 prime UTR variant (1).
Genome position (GRCh38, 1-based): chr20:58,840,176, A>G. VCF-style: chr20-58840176-A-G. GRCh37 (hg19) VCF-style: chr20-57415231-A-G.
Other names: c.-668A>G (NM_001410912.1); short protein forms I24V.
Identifiers: ClinVar variation 4998279 (VCV004998279.1).